The following is an entry in ClinVar:

ClinVar aggregate classification (germline): Pathogenic (1 of 4 stars; one submission).

Conditions:
Gnathodiaphyseal dysplasia (GDD). Also called: GNATHODIAPHYSEAL SCLEROSIS; OSTEOGENESIS IMPERFECTA WITH UNUSUAL SKELETAL LESIONS. Identifiers: Orphanet 53697, MedGen C1833736, MONDO:0008151, OMIM 166260.
Autosomal recessive limb-girdle muscular dystrophy type 2L (LGMDR12). Also called: Limb-girdle muscular dystrophy, type 2L; Limb-Girdle Muscular Dystrophy R12 Anoctamin-5-Related (LGMD-R12); MUSCULAR DYSTROPHY, LIMB-GIRDLE, AUTOSOMAL RECESSIVE 12. Identifiers: Orphanet 206549, MedGen C1969785, MONDO:0012652, OMIM 611307.

Submission:

Labcorp Genetics (formerly Invitae), Labcorp
Classification: Pathogenic for Autosomal recessive limb-girdle muscular dystrophy type 2L; Gnathodiaphyseal dysplasia. Last evaluated: 2022-06-27. Review status: criteria provided, single submitter. Criteria: Invitae Variant Classification Sherloc (09022015). Collection method: clinical testing. Allele origin: germline.
Comment: This variant is a gross deletion of the genomic region encompassing exon(s) 5-22 of the ANO5 gene, which includes the termination codon. This deletion extends beyond the assayed region for this gene and therefore may encompass additional genes. While this deletion is not anticipated to lead to nonsense mediated decay, it is expected to alter mRNA translation or result in a truncated protein product. This variant has not been reported in the literature in individuals affected with ANO5-related conditions. This variant disrupts a region of the ANO5 protein in which other variant(s) (p.Gln824Asnfs*10) have been determined to be pathogenic (PMID: 29382405; Invitae). This suggests that this is a clinically significant region of the protein, and that variants that disrupt it are likely to be disease-causing. For these reasons, this variant has been classified as Pathogenic.

Literature cited by the submitters: PubMed 29382405.

NC_000011.9:g.(?_22242623)_(22301311_?)del

Gene: ANO5 (anoctamin 5; plus strand). Cytogenetic location: 11p14.3.
Variant type: Deletion.
Identifiers: ClinVar variation 1457296 (VCV001457296.6).